The following is an entry in ClinVar:

ClinVar aggregate classification (germline): Uncertain significance (1 of 4 stars; one submission).

Submission:

Labcorp Genetics (formerly Invitae), Labcorp
Classification: Uncertain significance. Last evaluated: 2021-03-29. Review status: criteria provided, single submitter. Criteria: Invitae Variant Classification Sherloc (09022015). Collection method: clinical testing. Allele origin: germline.
Comment: This variant is not present in population databases (ExAC no frequency). In summary, the available evidence is currently insufficient to determine the role of this variant in disease. Therefore, it has been classified as a Variant of Uncertain Significance. This variant has not been reported in the literature in individuals with HOXB13-related conditions. This sequence change creates a premature translational stop signal (p.Tyr6Metfs*28) in the HOXB13 gene. It is expected to result in an absent or disrupted protein product. However, the current clinical and genetic evidence is not sufficient to establish whether loss-of-function variants in HOXB13 cause disease.

NM_006361.6(HOXB13):c.16del (p.Tyr6fs)

Gene: HOXB13 (homeobox B13; minus strand). Cytogenetic location: 17q21.32.
Variant type: Deletion.
Coding change: c.16del on transcript NM_006361.6 (MANE Select); coding-DNA position 16, one base deleted (T; older notation c.16delT).
Protein change: p.Tyr6fs; shifts the reading frame from tyrosine 6.
Molecular consequence: frameshift variant.
Genome position (GRCh38, 1-based): chr17:48,728,578, A deleted on the plus strand (T on the coding strand, the reverse complement: HOXB13 is on the minus strand); the first of 2 consecutive A bases (chr17:48,728,578-48,728,579); deleting either gives the same sequence. VCF-style (leftmost placement, unchanged base first): chr17-48728577-TA-T. GRCh37 (hg19) VCF-style: chr17-46805939-TA-T.
Other names: short protein forms Y6fs.
Identifiers: ClinVar variation 1521196 (VCV001521196.6), dbSNP rs2143075864, ClinGen allele CA2573154114.
Genomic context (GRCh38, chr17:48,728,577, plus strand): 5'-TTCCGCCCCCCTCCCGCTCCCAGCAAGCCTTCGATATCCTTGGCTCCATCCAAGGTGGCA[TA>T]ATTGCCGGGCTCCATGGAGCCGAGGGTCGGCTCATGAGGTGCGGGGGCGGGGAATCTAGG-3'